The following is an entry in ClinVar:

ClinVar aggregate classification (germline): Uncertain significance (1 of 4 stars; one submission).

Submission:

Labcorp Genetics (formerly Invitae), Labcorp
Classification: Uncertain significance. Last evaluated: 2022-04-25. Review status: criteria provided, single submitter. Criteria: Invitae Variant Classification Sherloc (09022015). Collection method: clinical testing. Allele origin: germline.
Comment: This sequence change replaces threonine, which is neutral and polar, with asparagine, which is neutral and polar, at codon 630 of the OPA1 protein (p.Thr630Asn). This variant is not present in population databases (gnomAD no frequency). This variant has not been reported in the literature in individuals affected with OPA1-related conditions. Advanced modeling of protein sequence and biophysical properties (such as structural, functional, and spatial information, amino acid conservation, physicochemical variation, residue mobility, and thermodynamic stability) performed at Invitae indicates that this missense variant is not expected to disrupt OPA1 protein function. In summary, the available evidence is currently insufficient to determine the role of this variant in disease. Therefore, it has been classified as a Variant of Uncertain Significance.

NM_130837.3(OPA1):c.2054C>A (p.Thr685Asn)

Gene: OPA1 (OPA1 mitochondrial dynamin like GTPase; plus strand). Cytogenetic location: 3q29.
Variant type: single nucleotide variant.
Coding change: c.2054C>A on transcript NM_130837.3 (MANE Select); coding-DNA position 2054, C replaced by A.
Protein change: p.Thr685Asn; replaces threonine 685 with asparagine.
Molecular consequence: missense variant.
Genome position (GRCh38, 1-based): chr3:193,654,903, C>A. VCF-style: chr3-193654903-C-A. GRCh37 (hg19) VCF-style: chr3-193372692-C-A.
Other names: c.1520C>A, p.Thr507Asn (NM_001354663.2); c.1517C>A, p.Thr506Asn (NM_001354664.2); c.1889C>A, p.Thr630Asn (NM_015560.3); c.1781C>A, p.Thr594Asn (NM_130831.3); c.1835C>A, p.Thr612Asn (NM_130832.3); c.1892C>A, p.Thr631Asn (NM_130833.3); c.1943C>A, p.Thr648Asn (NM_130834.3); c.1946C>A, p.Thr649Asn (NM_130835.3); and 1 more; short protein forms T612N, T648N, T649N, T685N, T506N, T507N, T630N, T667N.
Identifiers: ClinVar variation 1963229 (VCV001963229.5), dbSNP rs2475017291, ClinGen allele CA355791058.